The following is an entry in ClinVar:

NM_001256789.3(CACNA1F):c.449G>A (p.Gly150Glu)

Gene: CACNA1F (calcium voltage-gated channel subunit alpha1 F; minus strand). Cytogenetic location: Xp11.23.
Variant type: single nucleotide variant.
Coding change: c.449G>A on transcript NM_001256789.3 (MANE Select); coding-DNA position 449, G replaced by A.
Protein change: p.Gly150Glu; replaces glycine 150 with glutamic acid.
Molecular consequence: missense variant.
Genome position (GRCh38, 1-based): chrX:49,230,922, C>T on the plus strand (G>A on the coding strand, the complement: CACNA1F is on the minus strand). VCF-style: chrX-49230922-C-T. GRCh37 (hg19) VCF-style: chrX-49087384-C-T.
Other names: c.254G>A, p.Gly85Glu (NM_001256790.3); c.449G>A, p.Gly150Glu (NM_005183.4); short protein forms G150E, G85E.
Identifiers: ClinVar variation 4291856 (VCV004291856.1).

ClinVar aggregate classification (germline): Uncertain significance (1 of 4 stars; one submission).

Conditions:
CACNA1F-related disorder. Also called: CACNA1F-related condition.

Submission:

3billion
Classification: Uncertain significance for CACNA1F-related disorder. Last evaluated: 2024-09-13. Review status: criteria provided, single submitter. Criteria: ACMG Guidelines, 2015. Collection method: clinical testing. Allele origin: germline. Affected: yes.
Comment: The variant is not observed in the gnomAD v4.0.0 dataset. Predicted Consequence/Location: Missense variant. The majority of the known disease-causing variants of this gene are variants expected to result in premature termination of the protein. In silico tool predictions suggest damaging effect of the variant on gene or gene product [REVEL: 0.96 (>=0.6, sensitivity 0.68 and specificity 0.92)]. A different missense change at the same codon (p.Gly150Arg) has been reported to be associated with CACNA1F related disorder (PMID: 12187427, 29453956). However, the evidence of pathogenicity is insufficient at this time. Therefore, this variant is classified as VUS according to the recommendation of ACMG/AMP guideline.

Literature cited by the submitters: PubMed 12187427.